The following is an entry in ClinVar:

NM_000091.5(COL4A3):c.3683G>A (p.Gly1228Asp)

Genes: COL4A3 (collagen type IV alpha 3 chain; plus strand), MFF-DT (MFF divergent transcript; minus strand). Cytogenetic location: 2q36.3.
Variant type: single nucleotide variant.
Coding change: c.3683G>A on transcript NM_000091.5 (MANE Select); coding-DNA position 3683, G replaced by A.
Protein change: p.Gly1228Asp; replaces glycine 1228 with aspartic acid.
Molecular consequence: missense variant.
Genome position (GRCh38, 1-based): chr2:227,297,791, G>A. VCF-style: chr2-227297791-G-A. GRCh37 (hg19) VCF-style: chr2-228162507-G-A.
Other names: short protein forms G1228D.
Identifiers: ClinVar variation 3377030 (VCV003377030.2).

ClinVar aggregate classification (germline): Pathogenic/Likely pathogenic. Review status: criteria provided, multiple submitters, no conflicts (2 of 4 stars). 2 submissions from 2 submitters: Pathogenic (1); Likely pathogenic (1). Last evaluated 2024-10-09.

Conditions:
Alport syndrome. Also called: Hemorrhagic familial nephritis; Hemorrhagic hereditary nephritis; Congenital hereditary hematuria. Identifiers: Orphanet 63, MedGen C1567741, MONDO:0018965.
Hematuria, benign familial, 2 (BFH2). Identifiers: MedGen C5830421, MONDO:0958186, OMIM 620320.
Alport syndrome 3b, autosomal recessive. Identifiers: MedGen C5882699, MONDO:0957811, OMIM 620536.
Autosomal dominant Alport syndrome (ATS3A). Also called: Alport syndrome dominant type; Renal failure and sensorineural hearing loss; ALPORT SYNDROME 3A, AUTOSOMAL DOMINANT. Identifiers: Orphanet 63, Orphanet 88918, MedGen C5882663, MONDO:0007086, OMIM 104200.

gnomAD v4.1: 3 of 1,577,534 alleles (0.00019%); highest among the groups gnomAD compares: South Asian, 0.0035%; no homozygotes.

Submissions (2):

Victorian Clinical Genetics Services, Murdoch Childrens Research Institute
Classification: Pathogenic for Alport syndrome. Last evaluated: 2024-10-09. Review status: criteria provided, single submitter. Criteria: ACMG Guidelines, 2015. Collection method: clinical testing. Allele origin: germline. Affected: yes.
Comment: Based on the classification scheme VCGS_Germline_v1.3.4, this variant is classified as Pathogenic. Following criteria are met: 0103 - Dominant negative and loss of function are known mechanisms of disease in this gene and are associated with Alport syndrome, MONDO:0018965, COL4A3-related. Glycine changes that are part of a G-X-Y repeat in the triple helix of a collagen domain are known to have a dominant negative effect (PMID: 12028435). (I) 0108 - This gene is associated with both recessive and dominant disease, Alport syndrome 3B (MIM#620536) and Alport syndrome 3A (MIM#104200), respectively (OMIM). (I) 0200 - Variant is predicted to result in a missense amino acid change from glycine to aspartic acid. (I) 0251 - This variant is heterozygous. (I) 0301 - Variant is absent from gnomAD (both v2 and v3). (SP) 0501 - Missense variant consistently predicted to be damaging by multiple in silico tools or highly conserved with a major amino acid change. (SP) 0601 - Variant is located in the well-established functional functional Gly-X-Y motif in the collagen triple helical domain (DECIPHER). (SP) 0702 - Other missense variants comparable to the one identified in this case have strong previous evidence for pathogenicity. p.(Gly1228Val) has been reported three times as likely pathogenic, and p.(Gly1228Arg) has also been reported twice as likely pathogenic (ClinVar). (SP) 0803 - This variant has limited previous evidence of pathogenicity in unrelated individuals. This variant has been reported as likely pathogenic in two individuals (LOVD) . (SP) 0905 - No published segregation evidence has been identified for this variant. (I) 1007 - No published functional evidence has been identified for this variant. (I) 1208 - Inheritance information for this variant is not currently available in this individual. (I) Legend: (SP) - Supporting pathogenic, (I) - Information, (SB) - Supporting benign

Fulgent Genetics
Classification: Likely pathogenic for Autosomal dominant Alport syndrome; Hematuria, benign familial, 2; Alport syndrome 3b, autosomal recessive. Last evaluated: 2024-06-09. Review status: criteria provided, single submitter. Criteria: ACMG Guidelines, 2015. Collection method: clinical testing. Allele origin: germline.

Literature cited by the submitters: PubMed 12028435 (cited by Victorian Clinical Genetics Services, Murdoch Childrens Research Institute).